The following is an entry in ClinVar:

NM_001370466.1(NOD2):c.2618C>T (p.Ser873Phe)

Gene: NOD2 (nucleotide binding oligomerization domain containing 2; plus strand). Cytogenetic location: 16q12.1.
Variant type: single nucleotide variant.
Coding change: c.2618C>T on transcript NM_001370466.1 (MANE Select); coding-DNA position 2618, C replaced by T.
Protein change: p.Ser873Phe; replaces serine 873 with phenylalanine.
Molecular consequence: missense variant. On other transcripts: non-coding transcript variant (1).
Genome position (GRCh38, 1-based): chr16:50,719,993, C>T. VCF-style: chr16-50719993-C-T. GRCh37 (hg19) VCF-style: chr16-50753904-C-T.
Other names: p.Ser900Phe; c.2618C>T, p.Ser873Phe (NM_001293557.2); c.2699C>T, p.Ser900Phe (NM_022162.3); c.2699C>T (NM_022162.1); short protein forms S900F, S873F.
Identifiers: ClinVar variation 531602 (VCV000531602.12), dbSNP rs199552944, ClinGen allele CA8051927.

ClinVar aggregate classification (germline): Uncertain significance. Review status: criteria provided, multiple submitters, no conflicts (2 of 4 stars). 3 submissions from 3 submitters: Uncertain significance (3). Last evaluated 2025-08-01.

Conditions:
Inborn genetic diseases. Identifiers: MedGen C0950123, MeSH D030342.
Regional enteritis. Also called: Enteritis, Granulomatous. Identifiers: MedGen C0678202, MeSH D003424.
Blau syndrome (BLAUS). Also called: ARTHROCUTANEOUVEAL GRANULOMATOSIS; GRANULOMATOSIS, FAMILIAL JUVENILE SYSTEMIC; GRANULOMATOSIS, FAMILIAL, BLAU TYPE; GRANULOMATOUS INFLAMMATORY ARTHRITIS, DERMATITIS, AND UVEITIS, FAMILIAL; JABS SYNDROME. Identifiers: Orphanet 90340, MedGen C5201146, MONDO:0008523, OMIM 186580.

Allele frequency attached by ClinVar (database versions not stated): gnomAD 0.00001; gnomAD exomes 0.00001; TOPMed 0.00001; ExAC 0.00002.
gnomAD v4.1: 23 of 1,614,042 alleles (0.0014%); highest among the groups gnomAD compares: Non-Finnish European, 0.0019%; no homozygotes.

Submissions (3):

Ambry Genetics
Classification: Uncertain significance for Inborn genetic diseases. Last evaluated: 2025-08-01. Review status: criteria provided, single submitter. Criteria: Ambry Variant Classification Scheme 2023. Collection method: clinical testing. Allele origin: germline.

Labcorp Genetics (formerly Invitae), Labcorp
Classification: Uncertain significance for Regional enteritis; Blau syndrome. Last evaluated: 2024-02-24. Review status: criteria provided, single submitter. Criteria: Invitae Variant Classification Sherloc (09022015). Collection method: clinical testing. Allele origin: germline.
Comment: This sequence change replaces serine, which is neutral and polar, with phenylalanine, which is neutral and non-polar, at codon 900 of the NOD2 protein (p.Ser900Phe). This variant is present in population databases (rs199552944, gnomAD 0.002%). This variant has not been reported in the literature in individuals affected with NOD2-related conditions. ClinVar contains an entry for this variant (Variation ID: 531602). Advanced modeling of protein sequence and biophysical properties (such as structural, functional, and spatial information, amino acid conservation, physicochemical variation, residue mobility, and thermodynamic stability) performed at Invitae indicates that this missense variant is not expected to disrupt NOD2 protein function with a negative predictive value of 95%. In summary, the available evidence is currently insufficient to determine the role of this variant in disease. Therefore, it has been classified as a Variant of Uncertain Significance.

Mayo Clinic Laboratories, Mayo Clinic
Classification: Uncertain significance. Last evaluated: 2023-01-23. Review status: criteria provided, single submitter. Criteria: ACMG Guidelines, 2015. Collection method: clinical testing. Allele origin: germline. Observed: 1 variant allele.